The following is an entry in ClinVar:

ClinVar aggregate classification (germline): Pathogenic (1 of 4 stars; one submission).

Conditions:
Primary ciliary dyskinesia. Also called: Ciliary dyskinesia. Identifiers: Orphanet 244, MedGen C0008780, MONDO:0016575, HP:0012265.

Submission:

Labcorp Genetics (formerly Invitae), Labcorp
Classification: Pathogenic for Primary ciliary dyskinesia. Last evaluated: 2023-04-18. Review status: criteria provided, single submitter. Criteria: Invitae Variant Classification Sherloc (09022015). Collection method: clinical testing. Allele origin: unknown.
Comment: For these reasons, this variant has been classified as Pathogenic. This variant has not been reported in the literature in individuals affected with DNAH8-related conditions. This variant is a gross deletion of the genomic region encompassing exon(s) 5-8 of the DNAH8 gene. This deletion is out-of-frame, and is expected to create a premature termination codon and result in an absent or disrupted protein product. Loss-of-function variants in DNAH8 are known to be pathogenic (PMID: 24307375, 32619401, 32681648).

Literature cited by the submitters: PubMed 24307375; PubMed 32619401; PubMed 32681648.

NC_000006.11:g.(?_38702230)_(38709683_?)del

Gene: DNAH8 (dynein axonemal heavy chain 8; plus strand). Cytogenetic location: 6p21.2.
Variant type: Deletion.
Identifiers: ClinVar variation 3245946 (VCV003245946.1).